The following is an entry in ClinVar:

NM_138711.6(PPARG):c.-8-28101C>T

Gene: PPARG (peroxisome proliferator activated receptor gamma; plus strand). Cytogenetic location: 3p25.2.
Variant type: single nucleotide variant.
Coding change: c.-8-28101C>T on transcript NM_138711.6 (MANE Select); 28101 bases into the intron before 8 bases upstream of the start codon, C replaced by T.
Molecular consequence: intron variant. On other transcripts: missense variant (3).
Genome position (GRCh38, 1-based): chr3:12,351,603, C>T. VCF-style: chr3-12351603-C-T. GRCh37 (hg19) VCF-style: chr3-12393102-C-T.
Other names: c.11C>T, p.Thr4Ile (NM_001354668.2, NM_001374265.1, NM_015869.5); c.-8-28101C>T (NM_001354666.3, NM_138712.5, NM_005037.7 and 5 more transcripts); c.-435-28101C>T (NM_001354669.2); c.-9+6709C>T (NM_001374262.3); c.-2-28101C>T (NM_001374266.1, NM_001354670.2); short protein forms T4I.
Identifiers: ClinVar variation 4999906 (VCV004999906.1).

ClinVar aggregate classification (germline): Uncertain significance (1 of 4 stars; one submission).

Conditions:
PPARG-related disorder. Also called: PPARG-related condition; PPARG-related disorders.

Submission:

PreventionGenetics, part of Exact Sciences
Classification: Uncertain significance for PPARG-related condition. Last evaluated: 2024-12-29. Review status: criteria provided, single submitter. Criteria: ACMG Guidelines, 2015. Collection method: clinical testing. Allele origin: germline.
Comment: The PPARG c.11C>T variant is predicted to result in the amino acid substitution p.Thr4Ile. To our knowledge, this variant has not been reported in the literature or in a large population database (gnomAD), indicating this variant is rare. At this time, the clinical significance of this variant is uncertain due to the absence of conclusive functional and genetic evidence.